The following is an entry in ClinVar:

NM_000360.4(TH):c.748del (p.Glu250fs)

Gene: TH (tyrosine hydroxylase; minus strand). Cytogenetic location: 11p15.5.
Variant type: Deletion.
Coding change: c.748del on transcript NM_000360.4 (MANE Select); coding-DNA position 748, one base deleted (G; older notation c.748delG).
Protein change: p.Glu250fs; shifts the reading frame from glutamic acid 250.
Molecular consequence: frameshift variant.
Genome position (GRCh38, 1-based): chr11:2,166,980, C deleted on the plus strand (G on the coding strand, the reverse complement: TH is on the minus strand); the first of 4 consecutive C bases (chr11:2,166,980-2,166,983); deleting any one gives the same sequence. VCF-style (leftmost placement, unchanged base first): chr11-2166979-TC-T. GRCh37 (hg19) VCF-style: chr11-2188209-TC-T.
Other names: c.841del, p.Glu281fs (NM_199292.3); c.829del, p.Glu277fs (NM_199293.3); short protein forms E250fs, E277fs, E281fs.
Identifiers: ClinVar variation 1724162 (VCV001724162.2), dbSNP rs2495806226, ClinGen allele CA2580082590.

ClinVar aggregate classification (germline): Likely pathogenic (1 of 4 stars; one submission).

Conditions:
TH-deficient dopa-responsive dystonia. Also called: Segawa syndrome, autosomal recessive; DYT-TH; Tyrosine Hydroxylase-Deficient Dopa-Responsive Dystonia. Identifiers: Orphanet 101150, MedGen C2673535, MONDO:0011551, OMIM 605407.

Submission:

Myriad Genetics, Inc.
Classification: Likely pathogenic for TH-deficient dopa-responsive dystonia. Last evaluated: 2022-01-28. Review status: criteria provided, single submitter. Criteria: Myriad Women's Health Autosomal Recessive and X-Linked Classification Criteria (2021). Collection method: clinical testing. Allele origin: unknown.
Comment: NM_199292.2(TH):c.841delG(E281Sfs*30) is expected to be pathogenic in the context of tyrosine hydroxylase deficiency. This variant is predicted to lead to an abnormal or absent protein product due to the creation of a premature termination codon in TH, a gene where loss-of-function variants are known to be pathogenic. Please note: this variant was assessed in the context of healthy population screening.